The following is an entry in ClinVar:

ClinVar aggregate classification (germline): Conflicting classifications of pathogenicity. Review status: criteria provided, conflicting classifications (1 of 4 stars). 3 submissions from 3 submitters: Uncertain significance (2); Likely benign (1). Last evaluated 2024-05-07.

Conditions:
LAMA2-related muscular dystrophy (LAMA2-RD). Also called: Laminin alpha 2-related dystrophy. Identifiers: MedGen C5679788, MONDO:0100228.

Allele frequency attached by ClinVar (database versions not stated): gnomAD exomes 0.00007; ExAC 0.00010; ESP Exome Variant Server 0.00015; gnomAD 0.00019; TOPMed 0.00025; 1000 Genomes Project 30x 0.00078; 1000 Genomes Project 0.00080.
gnomAD v4.1: 53 of 1,612,910 alleles (0.0033%); highest among the groups gnomAD compares: African/African-American, 0.069%; no homozygotes.

Submissions (3):

Labcorp Genetics (formerly Invitae), Labcorp
Classification: Uncertain significance for LAMA2-related muscular dystrophy. Last evaluated: 2024-05-07. Review status: criteria provided, single submitter. Criteria: Invitae Variant Classification Sherloc (09022015). Collection method: clinical testing. Allele origin: germline.
Comment: This sequence change replaces asparagine, which is neutral and polar, with lysine, which is basic and polar, at codon 775 of the LAMA2 protein (p.Asn775Lys). This variant is present in population databases (rs139351727, gnomAD 0.08%). This variant has not been reported in the literature in individuals affected with LAMA2-related conditions. ClinVar contains an entry for this variant (Variation ID: 804982). An algorithm developed to predict the effect of missense changes on protein structure and function (PolyPhen-2) suggests that this variant¬†is likely to be tolerated. In summary, the available evidence is currently insufficient to determine the role of this variant in disease. Therefore, it has been classified as a Variant of Uncertain Significance.

Revvity Omics, Revvity
Classification: Likely benign. Last evaluated: 2023-05-25. Review status: criteria provided, single submitter. Criteria: ACMG Guidelines, 2015. Collection method: clinical testing. Allele origin: germline.

Athena Diagnostics
Classification: Uncertain significance. Last evaluated: 2018-11-20. Review status: criteria provided, single submitter. Criteria: Athena Diagnostics Criteria. Collection method: clinical testing. Allele origin: germline.

NM_000426.4(LAMA2):c.2325C>A (p.Asn775Lys)

Gene: LAMA2 (laminin subunit alpha 2; plus strand). Cytogenetic location: 6q22.33.
Variant type: single nucleotide variant.
Coding change: c.2325C>A on transcript NM_000426.4 (MANE Select); coding-DNA position 2325, C replaced by A.
Protein change: p.Asn775Lys; replaces asparagine 775 with lysine.
Molecular consequence: missense variant.
Genome position (GRCh38, 1-based): chr6:129,270,626, C>A. VCF-style: chr6-129270626-C-A. GRCh37 (hg19) VCF-style: chr6-129591771-C-A.
Other names: c.2325C>A, p.Asn775Lys (NM_001079823.2); short protein forms N775K.
Identifiers: ClinVar variation 804982 (VCV000804982.8), dbSNP rs139351727, ClinGen allele CA3992913.